The following is an entry in ClinVar:

NM_015047.3(EMC1):c.2560C>T (p.Arg854Trp)

Genes: EMC1 (ER membrane protein complex subunit 1; minus strand), EMC1-AS1 (EMC1 antisense RNA 1; plus strand). Cytogenetic location: 1p36.13.
Variant type: single nucleotide variant.
Coding change: c.2560C>T on transcript NM_015047.3 (MANE Select); coding-DNA position 2560, C replaced by T.
Protein change: p.Arg854Trp; replaces arginine 854 with tryptophan.
Molecular consequence: missense variant.
Genome position (GRCh38, 1-based): chr1:19,222,651, G>A on the plus strand (C>T on the coding strand, the complement: EMC1 is on the minus strand). VCF-style: chr1-19222651-G-A. GRCh37 (hg19) VCF-style: chr1-19549145-G-A.
Other names: c.2557C>T, p.Arg853Trp (NM_001271427.2, NM_001271428.2); c.2494C>T, p.Arg832Trp (NM_001271429.2); c.2569C>T, p.Arg857Trp (NM_001375820.1); c.2566C>T, p.Arg856Trp (NM_001375821.1); short protein forms R856W, R853W, R857W, R832W, R854W.
Identifiers: ClinVar variation 1478957 (VCV001478957.8), dbSNP rs779992757, ClinGen allele CA652243.
Genomic context (GRCh38, chr1:19,222,651, plus strand): 5'-CCCAGCCATCCCAGAGGCTCCCCAGTCACTCACTCAGCAGGTGTCGGCTGGTGATGCCCC[G>A]TTCGGTGATGGTGGCCTCCATGGCACTGATGGAGGACGGGAAGATATAGGACTGCTGGAG-3'
Protein context (NP_055862.1, residues 844-864): ISAMEATITE[Arg854Trp]GITSRHLLIG

ClinVar aggregate classification (germline): Uncertain significance (1 of 4 stars; one submission).

Allele frequency attached by ClinVar (database versions not stated): gnomAD 0.00001 and 0.00002; gnomAD exomes 0.00001; ExAC 0.00002; TOPMed 0.00003.
gnomAD v4.1: 23 of 1,613,902 alleles (0.0014%); highest among the groups gnomAD compares: African/African-American, 0.0027%; no homozygotes.

Submission:

Labcorp Genetics (formerly Invitae), Labcorp
Classification: Uncertain significance. Last evaluated: 2025-10-16. Review status: criteria provided, single submitter. Criteria: Invitae Variant Classification Sherloc (09022015). Collection method: clinical testing. Allele origin: germline.
Comment: This sequence change replaces arginine, which is basic and polar, with tryptophan, which is neutral and slightly polar, at codon 854 of the EMC1 protein (p.Arg854Trp). This variant is present in population databases (rs779992757, gnomAD 0.007%). This variant has not been reported in the literature in individuals affected with EMC1-related conditions. ClinVar contains an entry for this variant (Variation ID: 1478957). Invitae Evidence Modeling of protein sequence and biophysical properties (such as structural, functional, and spatial information, amino acid conservation, physicochemical variation, residue mobility, and thermodynamic stability) indicates that this missense variant is expected to disrupt EMC1 protein function with a positive predictive value of 80%. In summary, the available evidence is currently insufficient to determine the role of this variant in disease. Therefore, it has been classified as a Variant of Uncertain Significance.